The following is an entry in ClinVar:

NM_001267550.2(TTN):c.105953C>G (p.Thr35318Ser)

Genes: TTN-AS1 (TTN antisense RNA 1; plus strand), TTN (titin; minus strand), LOC129935183 (ATAC-STARR-seq lymphoblastoid active region 16808; plus strand). Cytogenetic location: 2q31.2.
Variant type: single nucleotide variant.
Coding change: c.105953C>G on transcript NM_001267550.2 (MANE Select); coding-DNA position 105953, C replaced by G.
Protein change: p.Thr35318Ser; replaces threonine 35318 with serine.
Molecular consequence: missense variant.
Genome position (GRCh38, 1-based): chr2:178,530,662, G>C on the plus strand (C>G on the coding strand, the complement: TTN is on the minus strand). VCF-style: chr2-178530662-G-C. GRCh37 (hg19) VCF-style: chr2-179395389-G-C.
Other names: c.101030C>G, p.Thr33677Ser (NM_001256850.1); c.78758C>G, p.Thr26253Ser (NM_003319.4); c.98249C>G, p.Thr32750Ser (NM_133378.4); c.79133C>G, p.Thr26378Ser (NM_133432.3); c.79334C>G, p.Thr26445Ser (NM_133437.4); short protein forms T35318S, T26253S, T33677S, T32750S, T26378S, T26445S.
Identifiers: ClinVar variation 574287 (VCV000574287.5), dbSNP rs1391706140, ClinGen allele CA349407365.

ClinVar aggregate classification (germline): Uncertain significance (1 of 4 stars; one submission).

Conditions:
Dilated cardiomyopathy 1G (CMD1G). Identifiers: Orphanet 154, MedGen C1858763, MONDO:0011400, OMIM 604145.
Autosomal recessive limb-girdle muscular dystrophy type 2J (LGMDR10). Also called: Limb-girdle muscular dystrophy, type 2J; MUSCULAR DYSTROPHY, LIMB-GIRDLE, AUTOSOMAL RECESSIVE 10. Identifiers: Orphanet 140922, MedGen C1837342, MONDO:0012127, OMIM 608807.

Allele frequency attached by ClinVar (database versions not stated): gnomAD exomes below 0.00001.
gnomAD v4.1: 2 of 1,613,906 alleles (0.00012%); highest among the groups gnomAD compares: Non-Finnish European, 0.00017%; no homozygotes.

Submission:

Labcorp Genetics (formerly Invitae), Labcorp
Classification: Uncertain significance for Dilated cardiomyopathy 1G; Autosomal recessive limb-girdle muscular dystrophy type 2J. Last evaluated: 2018-05-21. Review status: criteria provided, single submitter. Criteria: Invitae Variant Classification Sherloc (09022015). Collection method: clinical testing. Allele origin: germline.
Comment: This sequence change replaces threonine with serine at codon 35318 of the TTN protein (p.Thr35318Ser). There is a small physicochemical difference between threonine and serine. This variant is not present in population databases (ExAC no frequency). This variant has not been reported in the literature in individuals with TTN-related disease. Algorithms developed to predict the effect of missense changes on protein structure and function are unavailable for the TTN gene. Algorithms developed to predict the effect of sequence changes on RNA splicing suggest that this variant may create or strengthen a splice site, but this prediction has not been confirmed by published transcriptional studies. In summary, the available evidence is currently insufficient to determine the role of this variant in disease. Therefore, it has been classified as a Variant of Uncertain Significance. This variant is located in the M band of TTN (PMID: 25589632). Variants in this region may be relevant for neuromuscular disorders, but have not been definitively shown to cause cardiomyopathy (PMID: 23975875).

Literature cited by the submitters: PubMed 25589632; PubMed 23975875.